The following is an entry in ClinVar:

NM_006231.4(POLE):c.2143C>T (p.Gln715Ter)

Gene: POLE (DNA polymerase epsilon, catalytic subunit; minus strand). Cytogenetic location: 12q24.33.
Variant type: single nucleotide variant.
Coding change: c.2143C>T on transcript NM_006231.4 (MANE Select); coding-DNA position 2143, C replaced by T.
Protein change: p.Gln715Ter; replaces glutamine 715 with a stop codon.
Molecular consequence: nonsense.
Genome position (GRCh38, 1-based): chr12:132,668,386, G>A on the plus strand (C>T on the coding strand, the complement: POLE is on the minus strand). VCF-style: chr12-132668386-G-A. GRCh37 (hg19) VCF-style: chr12-133244972-G-A.
Other names: short protein forms Q715*.
Identifiers: ClinVar variation 3781474 (VCV003781474.2).

ClinVar aggregate classification (germline): Conflicting classifications of pathogenicity. Review status: criteria provided, conflicting classifications (1 of 4 stars). 2 submissions from 2 submitters: Pathogenic (1); Uncertain significance (1). Last evaluated 2025-10-13.

Conditions:
Hereditary cancer-predisposing syndrome. Also called: Neoplastic Syndromes, Hereditary; Hereditary Cancer Syndrome; Tumor predisposition; Hereditary neoplastic syndrome. Identifiers: Orphanet 140162, MedGen C0027672, MeSH D009386, MONDO:0015356.

Submissions (2):

Labcorp Genetics (formerly Invitae), Labcorp
Classification: Pathogenic. Last evaluated: 2025-10-13. Review status: criteria provided, single submitter. Criteria: Invitae Variant Classification Sherloc (09022015). Collection method: clinical testing. Allele origin: germline.
Comment: This sequence change creates a premature translational stop signal (p.Gln715*) in the POLE gene. It is expected to result in an absent or disrupted protein product. Loss-of-function variants in POLE are known to be pathogenic (PMID: 23230001, 25948378, 30503519). This variant is not present in population databases (gnomAD no frequency). This variant has not been reported in the literature in individuals affected with POLE-related conditions. ClinVar contains an entry for this variant (Variation ID: 3781474). For these reasons, this variant has been classified as Pathogenic.

Ambry Genetics
Classification: Uncertain significance for Hereditary cancer-predisposing syndrome. Last evaluated: 2024-12-12. Review status: criteria provided, single submitter. Criteria: Ambry Variant Classification Scheme 2023. Collection method: clinical testing. Allele origin: germline.
Comment: The p.Q715* variant (also known as c.2143C>T), located in coding exon 19 of the POLE gene, results from a C to T substitution at nucleotide position 2143. This changes the amino acid from a glutamine to a stop codon within coding exon 19. This alteration is expected to result in loss of function by premature protein truncation or nonsense-mediated mRNA decay. Loss-of-function variants subject to nonsense mediated decay (NMD) in POLE are known to cause POLE-deficiency; however, such associations with POLE-related polymerase proofreading-associated polyposis (PPAP) have not been reported. Based on the supporting evidence, this alteration is pathogenic for POLE-deficiency; however, the association of this alteration with POLE-related polymerase proofreading-associated polyposis (PPAP) is unknown.

Literature cited by the submitters: PubMed 23230001 (cited by Labcorp Genetics (formerly Invitae), Labcorp); PubMed 25948378 (cited by Labcorp Genetics (formerly Invitae), Labcorp); PubMed 30503519 (cited by Labcorp Genetics (formerly Invitae), Labcorp).